The following is an entry in ClinVar:

NM_006642.5(SDCCAG8):c.1018G>T (p.Val340Leu)

Gene: SDCCAG8 (SHH signaling and ciliogenesis regulator SDCCAG8; plus strand). Cytogenetic location: 1q43.
Variant type: single nucleotide variant.
Coding change: c.1018G>T on transcript NM_006642.5 (MANE Select); coding-DNA position 1018, G replaced by T.
Protein change: p.Val340Leu; replaces valine 340 with leucine.
Molecular consequence: missense variant.
Genome position (GRCh38, 1-based): chr1:243,316,843, G>T. VCF-style: chr1-243316843-G-T. GRCh37 (hg19) VCF-style: chr1-243480145-G-T.
Other names: c.115G>T, p.Val39Leu (NM_001350246.2, NM_001350247.2, NM_001350251.2); c.1114G>T, p.Val372Leu (NM_001350248.2); c.724G>T, p.Val242Leu (NM_001350249.2); short protein forms V242L, V372L, V340L, V39L.
Identifiers: ClinVar variation 851241 (VCV000851241.9), dbSNP rs1308863502, ClinGen allele CA345480838.

ClinVar aggregate classification (germline): Uncertain significance (1 of 4 stars; one submission).

Conditions:
Senior-Loken syndrome 7 (SLSN7). Identifiers: Orphanet 3156, MedGen C3150877, MONDO:0013326, OMIM 613615.
Bardet-Biedl syndrome 16 (BBS16). Identifiers: Orphanet 110, MedGen C3889474, MONDO:0014444, OMIM 615993.

Allele frequency attached by ClinVar (database versions not stated): gnomAD exomes 0.00001 and 0.00003; gnomAD 0.00006; TOPMed 0.00012.
gnomAD v4.1: 55 of 1,614,036 alleles (0.0034%); highest among the groups gnomAD compares: Admixed American, 0.015%; no homozygotes.

Submission:

Labcorp Genetics (formerly Invitae), Labcorp
Classification: Uncertain significance for Bardet-Biedl syndrome 16; Senior-Loken syndrome 7. Last evaluated: 2022-03-10. Review status: criteria provided, single submitter. Criteria: Invitae Variant Classification Sherloc (09022015). Collection method: clinical testing. Allele origin: germline.
Comment: Algorithms developed to predict the effect of missense changes on protein structure and function are either unavailable or do not agree on the potential impact of this missense change (SIFT: "Tolerated"; PolyPhen-2: "Probably Damaging"; Align-GVGD: "Class C0"). In summary, the available evidence is currently insufficient to determine the role of this variant in disease. Therefore, it has been classified as a Variant of Uncertain Significance. ClinVar contains an entry for this variant (Variation ID: 851241). This variant has not been reported in the literature in individuals affected with SDCCAG8-related conditions. This variant is present in population databases (no rsID available, gnomAD 0.003%). This sequence change replaces valine, which is neutral and non-polar, with leucine, which is neutral and non-polar, at codon 340 of the SDCCAG8 protein (p.Val340Leu).